The following is an entry in ClinVar:

ClinVar aggregate classification (germline): Pathogenic. Review status: criteria provided, single submitter (1 of 4 stars). 3 submissions from 3 submitters: Pathogenic (1). 2 of the submissions do not count toward it. Last evaluated 2019-09-23.

Conditions:
Early-infantile DEE. Also called: Ohtahara syndrome; Early infantile epileptic encephalopathy; Early infantile epileptic encephalopathy with suppression bursts. Identifiers: Orphanet 1934, MedGen C0393706, MONDO:0800491.
Developmental and epileptic encephalopathy, 13 (DEE13). Also called: SCN8A-Related Epilepsy; Early infantile epileptic encephalopathy 13; Developmental and Epileptic Encephalopathy (SCN8A-DEE). Identifiers: Orphanet 442835, MedGen C3281191, MONDO:0013801, OMIM 614558.

Submissions (4):

Labcorp Genetics (formerly Invitae), Labcorp
Classification: Pathogenic for Early-infantile DEE. Last evaluated: 2019-09-23. Review status: criteria provided, single submitter. Criteria: Invitae Variant Classification Sherloc (09022015). Collection method: clinical testing. Allele origin: germline.
Comment: This sequence change replaces asparagine with aspartic acid at codon 1768 of the SCN8A protein (p.Asn1768Asp). The asparagine residue is highly conserved and there is a small physicochemical difference between asparagine and aspartic acid. This variant is not present in population databases (ExAC no frequency). This variant has been observed in individual(s) with epileptic encephalopathy (PMID: 22365152, 29186148). In at least one individual the variant was observed to be de novo. ClinVar contains an entry for this variant (Variation ID: 30123). This variant has been reported to affect SCN8A protein function (PMID: 22365152, 25227913, 28676574). For these reasons, this variant has been classified as Pathogenic.

OMIM
Classification: Pathogenic for DEVELOPMENTAL AND EPILEPTIC ENCEPHALOPATHY 13. Last evaluated: 2012-03-09. Review status: no assertion criteria provided. Collection method: literature only. Allele origin: germline. Not counted in ClinVar's aggregate classification.

Channelopathy-Associated Epilepsy Research Center
No classification provided (evidence only). Condition: Complex neurodevelopmental disorder. Review status: no classification provided. Collection method: literature only. Allele origin: not applicable. Functional consequence: Severe depolarizing shift of voltage dependence of fast inactivation, Increase in resurgent current, Increase in persistent current, Overall gain-of-function effect with respect to biophysical channel activity. Not counted in ClinVar's aggregate classification.
ClinVar note: "not provided" was previously submitted as the classification for the variant. However, the classification appeared to be based only on an observation of functional data so it was converted to no classification on 2025-07-30.

GeneReviews
No classification provided. Condition: Developmental and epileptic encephalopathy, 13. Review status: no classification provided. Collection method: literature only. Allele origin: germline. Affected: yes. Not counted in ClinVar's aggregate classification.

Literature cited by the submitters: PubMed 22365152 (cited by 3 submitters); PubMed 29186148 (cited by Labcorp Genetics (formerly Invitae), Labcorp); PubMed 25227913 (cited by Labcorp Genetics (formerly Invitae), Labcorp); PubMed 28676574 (cited by Labcorp Genetics (formerly Invitae), Labcorp); PubMed 27267376 (cited by Channelopathy-Associated Epilepsy Research Center); NCBI Bookshelf NBK379665 (cited by GeneReviews).

NM_001330260.2(SCN8A):c.5302A>G (p.Asn1768Asp)

Gene: SCN8A (sodium voltage-gated channel alpha subunit 8; plus strand). Cytogenetic location: 12q13.13.
Variant type: single nucleotide variant.
Coding change: c.5302A>G on transcript NM_001330260.2 (MANE Select); coding-DNA position 5302, A replaced by G.
Protein change: p.Asn1768Asp; replaces asparagine 1768 with aspartic acid.
Molecular consequence: missense variant.
Genome position (GRCh38, 1-based): chr12:51,806,788, A>G. VCF-style: chr12-51806788-A-G. GRCh37 (hg19) VCF-style: chr12-52200572-A-G.
Other names: c.5179A>G, p.Asn1727Asp (NM_001177984.3, NM_001369788.1); c.5302A>G, p.Asn1768Asp (NM_014191.4); short protein forms N1768D, N1727D.
Identifiers: ClinVar variation 30123 (VCV000030123.14), dbSNP rs202151337, ClinGen allele CA128948.